The following is an entry in ClinVar:

NM_033028.5(BBS4):c.327A>T (p.Arg109Ser)

Gene: BBS4 (Bardet-Biedl syndrome 4; plus strand). Cytogenetic location: 15q24.1.
Variant type: single nucleotide variant.
Coding change: c.327A>T on transcript NM_033028.5 (MANE Select); coding-DNA position 327, A replaced by T.
Protein change: p.Arg109Ser; replaces arginine 109 with serine.
Molecular consequence: missense variant. On other transcripts: 5 prime UTR variant (1), non-coding transcript variant (2).
Genome position (GRCh38, 1-based): chr15:72,715,397, A>T. VCF-style: chr15-72715397-A-T. GRCh37 (hg19) VCF-style: chr15-73007738-A-T.
Other names: c.-195A>T (NM_001252678.2); c.327A>T, p.Arg109Ser (NM_001320665.2); c.327A>T (NM_033028.4); short protein forms R109S.
Identifiers: ClinVar variation 2161541 (VCV002161541.2), dbSNP rs149344505, ClinGen allele CA7646576.

ClinVar aggregate classification (germline): Uncertain significance. Review status: criteria provided, multiple submitters, no conflicts (2 of 4 stars). 2 submissions from 2 submitters: Uncertain significance (2). Last evaluated 2024-11-11.

Conditions:
Bardet-Biedl syndrome (BBS). Identifiers: Orphanet 110, MedGen C0752166, MONDO:0015229.
BBS4-related disorder. Also called: BBS4-related condition.

Allele frequency attached by ClinVar (database versions not stated): TOPMed below 0.00001; ExAC 0.00001; gnomAD exomes 0.00001; ESP Exome Variant Server 0.00008.
gnomAD v4.1: 18 of 1,611,990 alleles (0.0011%); highest among the groups gnomAD compares: Non-Finnish European, 0.0014%; no homozygotes.

Submissions (2):

PreventionGenetics, part of Exact Sciences
Classification: Uncertain significance for BBS4-related condition. Last evaluated: 2024-11-11. Review status: criteria provided, single submitter. Criteria: ACMG Guidelines, 2015. Collection method: clinical testing. Allele origin: germline.
Comment: The BBS4 c.327A>T variant is predicted to result in the amino acid substitution p.Arg109Ser. To our knowledge, this variant has not been reported in the literature. This variant is reported in 0.0018% of alleles in individuals of European (Non-Finnish) descent in gnomAD. At this time, the clinical significance of this variant is uncertain due to the absence of conclusive functional and genetic evidence.

Labcorp Genetics (formerly Invitae), Labcorp
Classification: Uncertain significance for Bardet-Biedl syndrome. Last evaluated: 2022-05-20. Review status: criteria provided, single submitter. Criteria: Invitae Variant Classification Sherloc (09022015). Collection method: clinical testing. Allele origin: germline.
Comment: This sequence change replaces arginine, which is basic and polar, with serine, which is neutral and polar, at codon 109 of the BBS4 protein (p.Arg109Ser). This variant is present in population databases (rs149344505, gnomAD 0.002%). This variant has not been reported in the literature in individuals affected with BBS4-related conditions. Algorithms developed to predict the effect of missense changes on protein structure and function (SIFT, PolyPhen-2, Align-GVGD) all suggest that this variant is likely to be disruptive. In summary, the available evidence is currently insufficient to determine the role of this variant in disease. Therefore, it has been classified as a Variant of Uncertain Significance.